The following is an entry in ClinVar:

ClinVar aggregate classification (germline): Benign. Review status: criteria provided, single submitter (1 of 4 stars). 2 submissions from 2 submitters: Benign (1). 1 of the submissions does not count toward it. Last evaluated 2025-12-30.

Conditions:
ADCY3-related disorder. Also called: ADCY3-related condition.

Allele frequency attached by ClinVar (database versions not stated): ESP Exome Variant Server 0.00008; 1000 Genomes Project 30x 0.00031; 1000 Genomes Project 0.00040; gnomAD exomes 0.00060; ExAC 0.00081; gnomAD 0.00090.
gnomAD v4.1: 983 of 1,609,052 alleles (0.061%); highest among the groups gnomAD compares: Non-Finnish European, 0.048%; 1 homozygote.

Submissions (2):

Labcorp Genetics (formerly Invitae), Labcorp
Classification: Benign. Last evaluated: 2025-12-30. Review status: criteria provided, single submitter. Criteria: Invitae Variant Classification Sherloc (09022015). Collection method: clinical testing. Allele origin: germline.

PreventionGenetics, part of Exact Sciences
Classification: Likely benign for ADCY3-related condition. Last evaluated: 2019-12-13. Review status: no assertion criteria provided. Collection method: clinical testing. Allele origin: germline. Not counted in ClinVar's aggregate classification.
Comment: This variant is classified as likely benign based on ACMG/AMP sequence variant interpretation guidelines (Richards et al. 2015 PMID: 25741868, with internal and published modifications).

NM_004036.5(ADCY3):c.619G>A (p.Val207Ile)

Gene: ADCY3 (adenylate cyclase 3; minus strand). Cytogenetic location: 2p23.3.
Variant type: single nucleotide variant.
Coding change: c.619G>A on transcript NM_004036.5 (MANE Select); coding-DNA position 619, G replaced by A.
Protein change: p.Val207Ile; replaces valine 207 with isoleucine.
Molecular consequence: missense variant.
Genome position (GRCh38, 1-based): chr2:24,918,369, C>T on the plus strand (G>A on the coding strand, the complement: ADCY3 is on the minus strand). VCF-style: chr2-24918369-C-T. GRCh37 (hg19) VCF-style: chr2-25141238-C-T.
Other names: c.619G>A, p.Val207Ile (NM_001320613.2, NM_001377128.1, NM_001377129.1 and 2 more transcripts); c.619G>A (NM_001320613.1); short protein forms V207I.
Identifiers: ClinVar variation 2069319 (VCV002069319.6), dbSNP rs200076026, ClinGen allele CA1554469.
Genomic context (GRCh38, chr2:24,918,369, plus strand): 5'-TCACCTCCCGCAGCAGCTGCATCCCCTTGAGCTCCTCCTGCTGCTGCTGGGCCACGGTGA[C>T]CCCCAGGACCAACGTGTGCACCACACAGGAGACCACGGAGATGATCACGATGGGGCTGAG-3'
Protein context (NP_004027.2, residues 197-217): SCVVHTLVLG[Val207Ile]TVAQQQQEEL